The following is an entry in ClinVar:

NM_001165963.4(SCN1A):c.664C>T (p.Arg222Ter)

Gene: SCN1A (sodium voltage-gated channel alpha subunit 1; minus strand). Cytogenetic location: 2q24.3.
Variant type: single nucleotide variant.
Coding change: c.664C>T on transcript NM_001165963.4 (MANE Select); coding-DNA position 664, C replaced by T.
Protein change: p.Arg222Ter; replaces arginine 222 with a stop codon.
Molecular consequence: nonsense. On other transcripts: 5 prime UTR variant (1), non-coding transcript variant (1).
Genome position (GRCh38, 1-based): chr2:166,052,882, G>A on the plus strand (C>T on the coding strand, the complement: SCN1A is on the minus strand). VCF-style: chr2-166052882-G-A. GRCh37 (hg19) VCF-style: chr2-166909392-G-A.
Other names: p.R222*:CGA>TGA; NP_001159435.1:p.(Arg222Ter); c.664C>T (NM_001202435.1); c.664C>T, p.Arg222Ter (NM_001165964.3, NM_001202435.3, NM_001353948.2 and 10 more transcripts); c.-1762C>T (NM_001353961.2); short protein forms R222*.
Identifiers: ClinVar variation 12889 (VCV000012889.34), dbSNP rs121918624, ClinGen allele CA273115.
Genomic context (GRCh38, chr2:166,052,882, plus strand): 5'-GTCCGTCTCATTATCTAACCTTGCTCTCACCTGGAATGACTGAAATCGTCTTCAATGCTC[G>A]GAGAACTCTGAATGTTCTCAATGCCGAGACATTGCCCAGGTCCACAAACTCTGTGACGTA-3'

ClinVar aggregate classification (germline): Pathogenic/Likely pathogenic. Review status: criteria provided, multiple submitters, no conflicts (2 of 4 stars). 18 submissions from 18 submitters: Pathogenic (15); Likely pathogenic (1). 2 of the submissions do not count toward it. Last evaluated 2025-03-18.

Conditions:
Developmental and epileptic encephalopathy 6B. Also called: Developmental and epileptic encephalopathy 6B, non-Dravet. Identifiers: MedGen C5543353, MONDO:0030268, OMIM 619317.
Severe myoclonic epilepsy in infancy (DRVT). Also called: Dravet syndrome; Epileptic encephalopathy, early infantile, 6 (Dravet syndrome); DEVELOPMENTAL AND EPILEPTIC ENCEPHALOPATHY 6A; SEVERE MYOCLONIC EPILEPSY OF INFANCY; Severe Myoclonic Epilepsy in Infancy (SMEI). Identifiers: Orphanet 33069, MedGen C0751122, MONDO:0100135, OMIM 607208.
Febrile seizures, familial, 3a. Also called: Antiepileptic drugs, response to; FEBRILE SEIZURES, FAMILIAL, 3A, SUSCEPTIBILITY TO. Identifiers: MedGen C2751756, MONDO:0800329.
Generalized epilepsy with febrile seizures plus, type 2 (GEFSP2). Also called: GEFS+, TYPE 2. Identifiers: Orphanet 36387, MedGen C1858673, MONDO:0011461, OMIM 604403.
SCN1A-related disorder. Also called: SCN1A-related conditions; SCN1A-related condition; SCN1A-related disorders.
Early-infantile DEE. Also called: Ohtahara syndrome; Early infantile epileptic encephalopathy; Early infantile epileptic encephalopathy with suppression bursts. Identifiers: Orphanet 1934, MedGen C0393706, MONDO:0800491.
Migraine, familial hemiplegic, 3. Identifiers: Orphanet 569, MedGen C1864987, MONDO:0012320, OMIM 609634.
Inborn genetic diseases. Identifiers: MedGen C0950123, MeSH D030342.
Intellectual disability. Also called: Intellectual functioning disability; Intellectual developmental disorder; intellectual disabilities. Identifiers: MedGen C3714756, MeSH D008607, MONDO:0001071, HP:0001249.

Submissions 1 to 14 of 18:

3billion
Classification: Pathogenic for Generalized epilepsy with febrile seizures plus, type 2. Last evaluated: 2025-03-18. Review status: criteria provided, single submitter. Criteria: ACMG Guidelines, 2015. Collection method: clinical testing. Allele origin: germline. Affected: yes.

Department of Neurology, Zibo Changguo Hospital
Classification: Pathogenic for Developmental and epileptic encephalopathy 6B; Febrile seizures, familial, 3a; Generalized epilepsy with febrile seizures plus, type 2; Severe myoclonic epilepsy in infancy. Last evaluated: 2025-01-09. Review status: criteria provided, single submitter. Criteria: ACMG Guidelines, 2015. Collection method: clinical testing. Allele origin: de novo. Inheritance: Autosomal dominant inheritance. Affected: yes.
Comment: PVS1, PS2_Very Strong, PM2_Supporting

Labcorp Genetics (formerly Invitae), Labcorp
Classification: Pathogenic for Early-infantile DEE. Last evaluated: 2024-04-29. Review status: criteria provided, single submitter. Criteria: Invitae Variant Classification Sherloc (09022015). Collection method: clinical testing. Allele origin: germline.
Comment: This sequence change creates a premature translational stop signal (p.Arg222*) in the SCN1A gene. It is expected to result in an absent or disrupted protein product. Loss-of-function variants in SCN1A are known to be pathogenic (PMID: 17347258, 18930999). This variant is not present in population databases (gnomAD no frequency). This premature translational stop signal has been observed in individual(s) with SCN1A-related conditions (PMID: 11359211, 23195492, 29100083). In at least one individual the variant was observed to be de novo. ClinVar contains an entry for this variant (Variation ID: 12889). For these reasons, this variant has been classified as Pathogenic.

Athena Diagnostics
Classification: Pathogenic. Last evaluated: 2023-12-04. Review status: criteria provided, single submitter. Criteria: Athena Diagnostics Criteria. Collection method: clinical testing. Allele origin: unknown.
Comment: This variant is expected to result in the loss of a functional protein. This variant has been identified in multiple unrelated individuals with Dravet syndrome, including multiple de novo cases. This variant has not been reported in large, multi-ethnic general populations.

Institute of Human Genetics, University of Leipzig Medical Center
Classification: Pathogenic for Generalized epilepsy with febrile seizures plus, type 2. Last evaluated: 2023-10-30. Review status: criteria provided, single submitter. Criteria: ACMG Guidelines, 2015. Collection method: clinical testing. Allele origin: de novo. Inheritance: Autosomal dominant inheritance. Affected: yes.
Comment: Criteria applied: PVS1,PS2,PS4,PS3_SUP,PM2_SUP

Neuberg Centre For Genomic Medicine, NCGM
Classification: Pathogenic for Severe myoclonic epilepsy in infancy. Last evaluated: 2023-05-20. Review status: criteria provided, single submitter. Criteria: ACMG Guidelines, 2015. Collection method: clinical testing. Allele origin: germline. Inheritance: Autosomal dominant inheritance. Affected: yes.
Comment: The stop gained c.664C>T (p.Arg222Ter) variant in the SCN1A gene has been observed in individual(s) with SCN1A-related conditions (Claes, L et al.,2001). This variant is absent in the gnomAD Exomes. It is submitted to ClinVar as Likely Pathogenic/ Pathoegnic (multiple submissions). This variant is predicted to cause loss of normal protein function through protein truncation. Loss of function variants have been previously reported to be disease causing. Computational evidence (MutationTaster - Disease causing) predicts damaging effect on protein structure and function for this variant. The nucleotide change c.664C>T in SCN1A is predicted as conserved by GERP++ and PhyloP across 100 vertebrates. For these reasons, this variant has been classified as Pathogenic.

Blueprint Genetics
Classification: Pathogenic for SCN1A-related disorders. Last evaluated: 2023-04-17. Review status: criteria provided, single submitter. Criteria: ACMG Guidelines, 2015. Collection method: clinical testing. Allele origin: germline. Affected: yes. Observed: 2 variant alleles.

Unidad de Genómica Garrahan, Hospital de Pediatría Garrahan
Classification: Pathogenic for Severe myoclonic epilepsy in infancy. Last evaluated: 2023-01-01. Review status: criteria provided, single submitter. Criteria: ACMG Guidelines, 2015. Collection method: clinical testing. Allele origin: germline. Affected: yes. Observed: 1 variant allele.

GeneDx
Classification: Pathogenic. Last evaluated: 2022-06-16. Review status: criteria provided, single submitter. Criteria: GeneDx Variant Classification Process June 2021. Collection method: clinical testing. Allele origin: germline. Affected: yes.
Comment: Nonsense variant predicted to result in protein truncation or nonsense mediated decay in a gene for which loss-of-function is a known mechanism of disease; Published functional studies demonstrate an inability to generate sodium current and slower kinetics of recovery from inactivation (Bechi et al., 2012); Not observed in large population cohorts (gnomAD); This variant is associated with the following publications: (PMID: 26096185, 14738421, 30321769, 22409937, 23195492, 25525159, 28837158, 22150645, 11359211, 19522081, 24168886, 29100083, 31780880, 31864146, 32090326, 29573403, 33278787)

Diagnostic Laboratory, Strasbourg University Hospital
Classification: Pathogenic for Intellectual disability. Last evaluated: 2020-04-20. Review status: criteria provided, single submitter. Criteria: ACMG Guidelines, 2015. Collection method: clinical testing. Allele origin: de novo. Inheritance: Autosomal dominant inheritance. Affected: yes. Observed: 1 heterozygote.

Fulgent Genetics
Classification: Pathogenic for Generalized epilepsy with febrile seizures plus, type 2; Severe myoclonic epilepsy in infancy; Migraine, familial hemiplegic, 3. Last evaluated: 2018-10-31. Review status: criteria provided, single submitter. Criteria: ACMG Guidelines, 2015. Collection method: clinical testing. Allele origin: unknown.

NeuroMeGen, Hospital Clinico Santiago de Compostela
Classification: Likely pathogenic for Severe myoclonic epilepsy in infancy. Last evaluated: 2018-01-01. Review status: criteria provided, single submitter. Criteria: ACMG Guidelines, 2015. Collection method: clinical testing. Allele origin: unknown. Affected: yes. Observed: 1 heterozygote.

Ambry Genetics
Classification: Pathogenic for Inborn genetic diseases. Last evaluated: 2016-10-03. Review status: criteria provided, single submitter. Criteria: Ambry Variant Classification Scheme 2023. Collection method: clinical testing. Allele origin: germline.
Comment: The p.R222* pathogenic mutation (also known as c.664C>T), located in coding exon 5 of the SCN1A gene, results from a C to T substitution at nucleotide position 664. This changes the amino acid from an arginine to a stop codon within coding exon 5. This alteration has been reported in an individual with severe myoclonic epilepsy of infancy (Claes L et al. Am. J. Hum. Genet., 2001 Jun;68:1327-32). In addition to the clinical data presented in the literature, this alteration is expected to result in loss of function by premature protein truncation or nonsense-mediated mRNA decay. As such, this alteration is interpreted as a disease-causing mutation.

Women's Health and Genetics/Laboratory Corporation of America, LabCorp
Classification: Pathogenic for Severe myoclonic epilepsy in infancy. Last evaluated: 2016-05-04. Review status: criteria provided, single submitter. Criteria: LabCorp Variant Classification Summary - May 2015. Collection method: clinical testing. Allele origin: germline.
Comment: Variant summary: The SCN1A c.664C>T (p.Arg222X) variant results in a premature termination codon, predicted to cause a truncated or absent SCN1A protein, which is a commonly known mechanism for disease. The variant is absent in 116,872 control chromosomes and has been reported by multiple reputable clinical labs as pathogenic. The literature reports this variant in numerous SMEI patients, many of whom have confirmed de novo inheritance. Functional study proved that variant did not generate Na+current and showed significantly slower kinetics of recovery from inactivation compared to WT (Bechi_2012). Taken together, this variant has been classified as pathogenic.